The following is an entry in ClinVar:

NM_003060.4(SLC22A5):c.134C>A (p.Thr45Asn)

Gene: SLC22A5 (solute carrier family 22 member 5; plus strand). Cytogenetic location: 5q31.1.
Variant type: single nucleotide variant.
Coding change: c.134C>A on transcript NM_003060.4 (MANE Select); coding-DNA position 134, C replaced by A.
Protein change: p.Thr45Asn; replaces threonine 45 with asparagine.
Molecular consequence: missense variant.
Genome position (GRCh38, 1-based): chr5:132,370,106, C>A. VCF-style: chr5-132370106-C-A. GRCh37 (hg19) VCF-style: chr5-131705798-C-A.
Other names: c.134C>A, p.Thr45Asn (NM_001308122.2); short protein forms T45N.
Identifiers: ClinVar variation 1723011 (VCV001723011.7), dbSNP rs1751834531, ClinGen allele CA360802443.
Genomic context (GRCh38, chr5:132,370,106, plus strand): 5'-TCAGCGCCAGCATCATCCCCAATGGCTTCACCGGCCTGTCCTCCGTGTTCCTGATAGCGA[C>A]CCCGGAGCACCGCTGCCGGGTGCCGGACGCCGCGAACCTGAGCAGCGCCTGGCGCAACCA-3'
Protein context (NP_003051.1, residues 35-55): TGLSSVFLIA[Thr45Asn]PEHRCRVPDA

ClinVar aggregate classification (germline): Uncertain significance. Review status: criteria provided, multiple submitters, no conflicts (2 of 4 stars). 2 submissions from 2 submitters: Uncertain significance (2). Last evaluated 2022-05-05.

Conditions:
Renal carnitine transport defect (CDSP). Also called: CARNITINE DEFICIENCY, SYSTEMIC, DUE TO DEFECT IN RENAL REABSORPTION OF CARNITINE; CARNITINE TRANSPORTER, PLASMA-MEMBRANE, DEFICIENCY OF; CARNITINE UPTAKE DEFECT; Carnitine Deficiency, Systemic; Primary carnitine deficiency; Systemic primary carnitine deficiency. Identifiers: Orphanet 158, MedGen C0342788, MONDO:0008919, OMIM 212140.

Submissions (2):

GeneDx
Classification: Uncertain significance. Last evaluated: 2022-05-05. Review status: criteria provided, single submitter. Criteria: GeneDx Variant Classification Process June 2021. Collection method: clinical testing. Allele origin: germline. Affected: yes.
Comment: Not observed at significant frequency in large population cohorts (gnomAD); In silico analysis supports that this missense variant has a deleterious effect on protein structure/function; Has not been previously published as pathogenic or benign to our knowledge

Labcorp Genetics (formerly Invitae), Labcorp
Classification: Uncertain significance for Renal carnitine transport defect. Last evaluated: 2022-05-04. Review status: criteria provided, single submitter. Criteria: Invitae Variant Classification Sherloc (09022015). Collection method: clinical testing. Allele origin: germline.
Comment: This variant has not been reported in the literature in individuals affected with SLC22A5-related conditions. In summary, the available evidence is currently insufficient to determine the role of this variant in disease. Therefore, it has been classified as a Variant of Uncertain Significance. Algorithms developed to predict the effect of missense changes on protein structure and function are either unavailable or do not agree on the potential impact of this missense change (SIFT: "Deleterious"; PolyPhen-2: "Benign"; Align-GVGD: "Class C0"). This variant is not present in population databases (gnomAD no frequency). This sequence change replaces threonine, which is neutral and polar, with asparagine, which is neutral and polar, at codon 45 of the SLC22A5 protein (p.Thr45Asn).